The following is an entry in ClinVar:

ClinVar aggregate classification (germline): Uncertain significance (1 of 4 stars; one submission).

Allele frequency attached by ClinVar (database versions not stated): gnomAD exomes 0.00001.
gnomAD v4.1: 3 of 1,614,098 alleles (0.00019%); highest among the groups gnomAD compares: Non-Finnish European, 0.00025%; no homozygotes.

Submission:

Labcorp Genetics (formerly Invitae), Labcorp
Classification: Uncertain significance. Last evaluated: 2021-02-21. Review status: criteria provided, single submitter. Criteria: Invitae Variant Classification Sherloc (09022015). Collection method: clinical testing. Allele origin: germline.
Comment: This variant has not been reported in the literature in individuals with RFX6-related conditions. Algorithms developed to predict the effect of missense changes on protein structure and function are either unavailable or do not agree on the potential impact of this missense change (SIFT: "Deleterious"; PolyPhen-2: "Benign"; Align-GVGD: "Class C35"). In summary, the available evidence is currently insufficient to determine the role of this variant in disease. Therefore, it has been classified as a Variant of Uncertain Significance. This sequence change replaces arginine with serine at codon 664 of the RFX6 protein (p.Arg664Ser). The arginine residue is highly conserved and there is a moderate physicochemical difference between arginine and serine. This variant is not present in population databases (ExAC no frequency).

NM_173560.4(RFX6):c.1992G>T (p.Arg664Ser)

Gene: RFX6 (regulatory factor X6; plus strand). Cytogenetic location: 6q22.1.
Variant type: single nucleotide variant.
Coding change: c.1992G>T on transcript NM_173560.4 (MANE Select); coding-DNA position 1992, G replaced by T.
Protein change: p.Arg664Ser; replaces arginine 664 with serine.
Molecular consequence: missense variant.
Genome position (GRCh38, 1-based): chr6:116,927,133, G>T. VCF-style: chr6-116927133-G-T. GRCh37 (hg19) VCF-style: chr6-117248296-G-T.
Other names: short protein forms R664S.
Identifiers: ClinVar variation 1512484 (VCV001512484.8), dbSNP rs2114703852, ClinGen allele CA365435407.